The following is an entry in ClinVar:

ClinVar aggregate classification (germline): Pathogenic. Review status: criteria provided, multiple submitters, no conflicts (2 of 4 stars). 2 submissions from 2 submitters: Pathogenic (2). Last evaluated 2019-11-21.

Conditions:
Intellectual disability. Also called: Intellectual functioning disability; Intellectual developmental disorder; intellectual disabilities. Identifiers: MedGen C3714756, MeSH D008607, MONDO:0001071, HP:0001249.
Neurodevelopmental disorder with hypotonia, stereotypic hand movements, and impaired language. Also called: Intellectual disability, autosomal dominant 20. Identifiers: Orphanet 228384, Orphanet 664410, MedGen C3150700, MONDO:0013266, OMIM 613443.

Submissions (2):

Cambridge Genomics Laboratory, East Genomic Laboratory Hub, NHS Genomic Medicine Service
Classification: Pathogenic for Intellectual disability. Last evaluated: 2019-11-21. Review status: criteria provided, single submitter. Criteria: ACGS Best Practice Guidelines for Variant Classification in Rare Disease 2020. Collection method: clinical testing. Allele origin: germline. Affected: yes. Observed: 1 variant allele.

Centre for Mendelian Genomics, University Medical Centre Ljubljana
Classification: Pathogenic for Neurodevelopmental disorder with hypotonia, stereotypic hand movements, and impaired language. Last evaluated: 2018-12-07. Review status: criteria provided, single submitter. Criteria: ACMG Guidelines, 2015. Collection method: clinical testing. Allele origin: unknown. Affected: yes.
Comment: This variant was classified as: Pathogenic. The following ACMG criteria were applied in classifying this variant: PVS1,PM2,PM6,PP3.

NM_002397.5(MEF2C):c.965-2A>G

Gene: MEF2C (myocyte enhancer factor 2C; minus strand). Cytogenetic location: 5q14.3.
Variant type: single nucleotide variant.
Coding change: c.965-2A>G on transcript NM_002397.5 (MANE Select); the canonical splice acceptor site of the intron before coding-DNA position 965, A replaced by G.
Molecular consequence: splice acceptor variant.
Genome position (GRCh38, 1-based): chr5:88,728,630, T>C on the plus strand (A>G on the coding strand, the complement: MEF2C is on the minus strand). VCF-style: chr5-88728630-T-C. GRCh37 (hg19) VCF-style: chr5-88024447-T-C.
Other names: c.935-2A>G (NM_001364343.2, NM_001131005.2, NM_001364352.2); c.995-2A>G (NM_001364338.2, NM_001193347.1); c.941-2A>G (NM_001364349.2, NM_001364339.2, NM_001364348.2 and 6 more transcripts); c.965-2A>G (NM_001364347.2, NM_001364337.2, NM_001364346.2 and 9 more transcripts); c.821-2A>G (NM_001364355.2, NM_001193349.3, NM_001364344.2 and 2 more transcripts); c.797-2A>G (NM_001193348.1); c.515-2A>G (NM_001364357.2); c.587-2A>G (NM_001364356.2, NM_001364353.2).
Identifiers: ClinVar variation 930715 (VCV000930715.4), dbSNP rs1759968705, ClinGen allele CA360422785.